The following is an entry in ClinVar:

ClinVar aggregate classification (germline): Uncertain significance (1 of 4 stars; one submission).

Conditions:
Congenital myasthenic syndrome 2A. Also called: Myasthenic syndrome, congenital, 2a, slow-channel. Identifiers: Orphanet 590, MedGen C4225374, MONDO:0014581, OMIM 616313.

Submission:

Labcorp Genetics (formerly Invitae), Labcorp
Classification: Uncertain significance for Congenital myasthenic syndrome 2A. Last evaluated: 2025-08-21. Review status: criteria provided, single submitter. Criteria: Invitae Variant Classification Sherloc (09022015). Collection method: clinical testing. Allele origin: germline.
Comment: This sequence change replaces serine, which is neutral and polar, with glycine, which is neutral and non-polar, at codon 130 of the CHRNB1 protein (p.Ser130Gly). This variant is not present in population databases (gnomAD no frequency). This variant has not been reported in the literature in individuals affected with CHRNB1-related conditions. Invitae Evidence Modeling of protein sequence and biophysical properties (such as structural, functional, and spatial information, amino acid conservation, physicochemical variation, residue mobility, and thermodynamic stability) indicates that this missense variant is not expected to disrupt CHRNB1 protein function with a negative predictive value of 80%. In summary, the available evidence is currently insufficient to determine the role of this variant in disease. Therefore, it has been classified as a Variant of Uncertain Significance.

NM_000747.3(CHRNB1):c.388A>G (p.Ser130Gly)

Gene: CHRNB1 (cholinergic receptor nicotinic beta 1 subunit; plus strand). Cytogenetic location: 17p13.1.
Variant type: single nucleotide variant.
Coding change: c.388A>G on transcript NM_000747.3 (MANE Select); coding-DNA position 388, A replaced by G.
Protein change: p.Ser130Gly; replaces serine 130 with glycine.
Molecular consequence: missense variant.
Genome position (GRCh38, 1-based): chr17:7,447,077, A>G. VCF-style: chr17-7447077-A-G. GRCh37 (hg19) VCF-style: chr17-7350396-A-G.
Other names: short protein forms S130G.
Identifiers: ClinVar variation 4805287 (VCV004805287.1).